The following is an entry in ClinVar:

NM_006371.5(CRTAP):c.226T>C (p.Leu76=)

Gene: CRTAP (cartilage associated protein; plus strand). Cytogenetic location: 3p22.3.
Variant type: single nucleotide variant.
Coding change: c.226T>C on transcript NM_006371.5 (MANE Select); coding-DNA position 226, T replaced by C.
Protein change: p.Leu76=; no amino-acid change (leucine 76 retained).
Molecular consequence: synonymous variant.
Genome position (GRCh38, 1-based): chr3:33,114,303, T>C. VCF-style: chr3-33114303-T-C. GRCh37 (hg19) VCF-style: chr3-33155795-T-C.
Identifiers: ClinVar variation 707566 (VCV000707566.11), dbSNP rs368879937, ClinGen allele CA2300228.

ClinVar aggregate classification (germline): Likely benign. Review status: criteria provided, single submitter (1 of 4 stars). 2 submissions from 2 submitters: Likely benign (1). 1 of the submissions does not count toward it. Last evaluated 2025-12-06.

Conditions:
Osteogenesis imperfecta type 7 (OI7). Also called: OSTEOGENESIS IMPERFECTA, TYPE IIB; Osteogenesis imperfecta type 2B; OI type 2B; Osteogenesis imperfecta, perinatal lethal autosomal recessive; OI type IIB; OI type 7. Identifiers: MedGen C1853162, MONDO:0012536, OMIM 610682.
CRTAP-related disorder. Also called: CRTAP-related condition.

Allele frequency attached by ClinVar (database versions not stated): gnomAD exomes 0.00001 and 0.00002; ExAC 0.00007; gnomAD 0.00018 and 0.00024; TOPMed 0.00022; 1000 Genomes Project 30x 0.00031.
gnomAD v4.1: 90 of 1,560,364 alleles (0.0058%); highest among the groups gnomAD compares: African/African-American, 0.089%; no homozygotes.

Submissions (2):

Labcorp Genetics (formerly Invitae), Labcorp
Classification: Likely benign for Osteogenesis imperfecta type 7. Last evaluated: 2025-12-06. Review status: criteria provided, single submitter. Criteria: Invitae Variant Classification Sherloc (09022015). Collection method: clinical testing. Allele origin: germline.

PreventionGenetics, part of Exact Sciences
Classification: Likely benign for CRTAP-related condition. Last evaluated: 2024-06-18. Review status: no assertion criteria provided. Collection method: clinical testing. Allele origin: germline. Not counted in ClinVar's aggregate classification.
Comment: This variant is classified as likely benign based on ACMG/AMP sequence variant interpretation guidelines (Richards et al. 2015 PMID: 25741868, with internal and published modifications).